The following is an entry in ClinVar:

ClinVar aggregate classification (germline): Uncertain significance. Review status: criteria provided, multiple submitters, no conflicts (2 of 4 stars). 2 submissions from 2 submitters: Uncertain significance (2). Last evaluated 2026-09-12.

Conditions:
Intellectual disability, autosomal dominant 15 (CSS3). Also called: COFFIN-SIRIS SYNDROME 3. Identifiers: Orphanet 1465, MedGen C3553248, MONDO:0013820, OMIM 614608.
Rhabdoid tumor predisposition syndrome 1 (RTPS1). Also called: Familial Posterior Fossa Brain Tumor of Infancy. Identifiers: Orphanet 231108, Orphanet 69077, MedGen C1836327, MONDO:0012252, OMIM 609322.
SMARCB1-related schwannomatosis. Also called: SWNTS1; Schwannomatosis 1. Identifiers: Orphanet 93921, MedGen C4048809, MONDO:0024517, OMIM 162091. Disease mechanism: loss of function.
Hereditary cancer-predisposing syndrome. Also called: Neoplastic Syndromes, Hereditary; Hereditary Cancer Syndrome; Tumor predisposition; Hereditary neoplastic syndrome. Identifiers: Orphanet 140162, MedGen C0027672, MeSH D009386, MONDO:0015356.

Submissions (2):

Ambry Genetics
Classification: Uncertain significance for Hereditary cancer-predisposing syndrome. Last evaluated: 2026-09-12. Review status: criteria provided, single submitter. Criteria: Ambry Variant Classification Scheme 2023. Collection method: clinical testing. Allele origin: germline.
Comment: The p.E97D variant (also known as c.291A>C), located in coding exon 3 of the SMARCB1 gene, results from an A to C substitution at nucleotide position 291. The glutamic acid at codon 97 is replaced by aspartic acid, an amino acid with highly similar properties. This amino acid position is conserved. In addition, the in silico prediction for this alteration is inconclusive. Based on the available evidence, the clinical significance of this variant remains unclear.

Juno Genomics, Hangzhou Juno Genomics, Inc
Classification: Uncertain significance for Rhabdoid tumor predisposition syndrome 1; SMARCB1-related schwannomatosis; Intellectual disability, autosomal dominant 15. Review status: criteria provided, single submitter. Criteria: ACMG Guidelines, 2015. Collection method: clinical testing. Allele origin: germline.
Comment: Absent from controls (or at extremely low frequency if recessive) in Genome Aggregation Database.;Missense variant in a gene that has a low rate of benign missense variation.

NM_003073.5(SMARCB1):c.291A>C (p.Glu97Asp)

Gene: SMARCB1 (SWI/SNF related BAF chromatin remodeling complex subunit B1; plus strand). Cytogenetic location: 22q11.23.
Variant type: single nucleotide variant.
Coding change: c.291A>C on transcript NM_003073.5 (MANE Select); coding-DNA position 291, A replaced by C.
Protein change: p.Glu97Asp; replaces glutamic acid 97 with aspartic acid.
Molecular consequence: missense variant.
Genome position (GRCh38, 1-based): chr22:23,793,617, A>C. VCF-style: chr22-23793617-A-C. GRCh37 (hg19) VCF-style: chr22-24135804-A-C.
Other names: c.264A>C, p.Glu88Asp (NM_001007468.3, NM_001317946.2); c.291A>C, p.Glu97Asp (NM_001362877.2); short protein forms E88D, E97D.
Identifiers: ClinVar variation 5019754 (VCV005019754.3).